The following is an entry in ClinVar:

ClinVar aggregate classification (germline): Likely benign. Review status: criteria provided, multiple submitters, no conflicts (2 of 4 stars). 2 submissions from 2 submitters: Likely benign (2). Last evaluated 2018-03-05.

Allele frequency attached by ClinVar (database versions not stated): 1000 Genomes Project 0.00060; 1000 Genomes Project 30x 0.00109; TOPMed 0.00466; gnomAD exomes 0.00497 and 0.00733; gnomAD 0.00502 and 0.00514; ESP Exome Variant Server 0.00601; ExAC 0.00933.
gnomAD v4.1: 11,282 of 1,597,918 alleles (0.71%); highest among the groups gnomAD compares: Non-Finnish European, 0.87%; 63 homozygotes.

Submissions (2):

GeneDx
Classification: Likely benign. Last evaluated: 2018-03-05. Review status: criteria provided, single submitter. Criteria: GeneDx Variant Classification (06012015). Collection method: clinical testing. Allele origin: germline. Affected: yes.
Comment: This variant is considered likely benign or benign based on one or more of the following criteria: it is a conservative change, it occurs at a poorly conserved position in the protein, it is predicted to be benign by multiple in silico algorithms, and/or has population frequency not consistent with disease.

Breakthrough Genomics
Classification: Likely benign. Review status: criteria provided, single submitter. Criteria: ACMG Guidelines, 2015. Collection method: not provided. Allele origin: germline. Inheritance: Unknown mechanism. Affected: yes.

NM_030770.4(TMPRSS5):c.1017C>T (p.Gly339=)

Genes: TMPRSS5 (transmembrane serine protease 5; minus strand), LOC126861343 (MED14-independent group 3 enhancer GRCh37_chr11:113560791-113561990; plus strand). Cytogenetic location: 11q23.2.
Variant type: single nucleotide variant.
Coding change: c.1017C>T on transcript NM_030770.4 (MANE Select); coding-DNA position 1017, C replaced by T.
Protein change: p.Gly339=; no amino-acid change (glycine 339 retained).
Molecular consequence: synonymous variant. On other transcripts: non-coding transcript variant (2).
Genome position (GRCh38, 1-based): chr11:113,690,887, G>A on the plus strand (C>T on the coding strand, the complement: TMPRSS5 is on the minus strand). VCF-style: chr11-113690887-G-A. GRCh37 (hg19) VCF-style: chr11-113561609-G-A.
Other names: c.678C>T, p.Gly226= (NM_001288749.2); c.885C>T, p.Gly295= (NM_001288750.2); c.990C>T, p.Gly330= (NM_001288751.2); c.810C>T, p.Gly270= (NM_001288752.2).
Identifiers: ClinVar variation 509182 (VCV000509182.2), dbSNP rs186244114, ClinGen allele CA6281665.